The following is an entry in ClinVar:

NM_000535.7(PMS2):c.453C>T (p.Arg151=)

Gene: PMS2 (PMS1 homolog 2, mismatch repair system component; minus strand). Cytogenetic location: 7p22.1.
Variant type: single nucleotide variant.
Coding change: c.453C>T on transcript NM_000535.7 (MANE Select); coding-DNA position 453, C replaced by T.
Protein change: p.Arg151=; no amino-acid change (arginine 151 retained).
Molecular consequence: synonymous variant. On other transcripts: 5 prime UTR variant (2), non-coding transcript variant (1).
Genome position (GRCh38, 1-based): chr7:6,002,537, G>A on the plus strand (C>T on the coding strand, the complement: PMS2 is on the minus strand). VCF-style: chr7-6002537-G-A. GRCh37 (hg19) VCF-style: chr7-6042168-G-A.
Other names: c.48C>T, p.Arg16= (NM_001322003.2, NM_001322004.2, NM_001322005.2 and 3 more transcripts); c.453C>T, p.Arg151= (NM_001322006.2, NM_001322014.2); c.135C>T, p.Arg45= (NM_001322007.2, NM_001322008.2); c.-432C>T (NM_001322011.2, NM_001322012.2); c.144C>T, p.Arg48= (NM_001322015.2).
Identifiers: ClinVar variation 824987 (VCV000824987.14), dbSNP rs1583403159, ClinGen allele CA453647647.

ClinVar aggregate classification (germline): Benign/Likely benign. Review status: criteria provided, multiple submitters, no conflicts (2 of 4 stars). 3 submissions from 3 submitters: Benign (1); Likely benign (2). Last evaluated 2025-01-27.

Conditions:
Hereditary nonpolyposis colorectal neoplasms. Identifiers: MedGen C0009405, MeSH D003123.
Hereditary cancer-predisposing syndrome. Also called: Neoplastic Syndromes, Hereditary; Tumor predisposition; Hereditary neoplastic syndrome; Hereditary Cancer Syndrome. Identifiers: Orphanet 140162, MedGen C0027672, MeSH D009386, MONDO:0015356.
Lynch syndrome 4 (LYNCH4). Also called: Colorectal cancer, hereditary nonpolyposis, type 4; Hereditary non-polyposis colorectal cancer, type 4. Identifiers: Orphanet 144, MedGen C1838333, MONDO:0013699, OMIM 614337. Disease mechanism: loss of function.

Submissions (3):

Myriad Genetics, Inc.
Classification: Benign for Lynch syndrome 4. Last evaluated: 2025-01-27. Review status: criteria provided, single submitter. Criteria: Myriad Autosomal Dominant, Autosomal Recessive and X-Linked Classification Criteria (2023). Collection method: clinical testing. Allele origin: unknown.
Comment: This variant is considered benign. This variant is a silent/synonymous amino acid change and it is not expected to impact splicing.

Labcorp Genetics (formerly Invitae), Labcorp
Classification: Likely benign for Hereditary nonpolyposis colorectal neoplasms. Last evaluated: 2022-02-17. Review status: criteria provided, single submitter. Criteria: Invitae Variant Classification Sherloc (09022015). Collection method: clinical testing. Allele origin: germline.

Ambry Genetics
Classification: Likely benign for Hereditary cancer-predisposing syndrome. Last evaluated: 2019-09-20. Review status: criteria provided, single submitter. Criteria: Ambry Variant Classification Scheme 2023. Collection method: clinical testing. Allele origin: germline.